The following is an entry in ClinVar:

ClinVar aggregate classification (germline): Uncertain significance. Review status: criteria provided, single submitter (1 of 4 stars). 2 submissions from 2 submitters: Uncertain significance (1). 1 of the submissions does not count toward it.

Conditions:
Hereditary factor VIII deficiency disease (HEMA). Also called: HEMOPHILIA, CLASSIC; Hemophilia A; Hemophilia A, congenital; HEM A; Factor 8 deficiency, congenital; AUTOSOMAL HEMOPHILIA A. Identifiers: Orphanet 98878, MedGen C0019069, MONDO:0010602, OMIM 306700.

Submissions (2):

Neuberg Centre For Genomic Medicine, NCGM
Classification: Uncertain significance for Hereditary factor VIII deficiency disease. Review status: criteria provided, single submitter. Criteria: ACMG Guidelines, 2015. Collection method: clinical testing. Allele origin: germline. Inheritance: X-linked inheritance. Affected: yes.
Comment: The in-frame deletion p.F672del in F8 (NM_000132.4) has not been reported previously as a pathogenic variant nor as a benign variant, to our knowledge. The p.F672del variant is novel (not in any individuals) in gnomAD Exomes and is novel (not in any individuals) in 1000 Genomes. This variant results in a deletion of a phenylalanine at position 672 of the F8 gene. However, as this is an in-frame deletion, it is not expected to result in either a truncated protein product or loss of protein through nonsense-mediated mRNA decay. The p.F672del variant is not in a repeat region. The p.F672del variant results in a deletion of 3 bases that are predicted conserved by GERP++ and PhyloP. The nucleotide c.2015 in F8 is predicted conserved by GERP++ and PhyloP across 100 vertebrates. For these reasons, this variant has been classified as Uncertain Significance.

OMIM
Classification: Pathogenic for HEMOPHILIA A. Last evaluated: 1993-02-01. Review status: no assertion criteria provided. Collection method: literature only. Allele origin: germline. Not counted in ClinVar's aggregate classification.

Literature cited by the submitters: PubMed 8449505 (cited by OMIM).

NM_000132.4(F8):c.2009TCT[2] (p.Phe672del)

Gene: F8 (coagulation factor VIII; minus strand). Cytogenetic location: Xq28.
Variant type: Microsatellite.
Coding change: c.2009TCT[2] on transcript NM_000132.4 (MANE Select); two copies in a row of the 3-base unit TCT starting at c.2009; the reference has three copies in a row; one copy, 3 bases deleted; also written c.2015_2017del.
Protein change: p.Phe672del; deletes phenylalanine 672.
Molecular consequence: inframe deletion.
Genome position (GRCh38, 1-based): chrX:154,947,794-154,947,796, AGA deleted on the plus strand (TCT on the coding strand, the reverse complement: F8 is on the minus strand); deleting any 3 consecutive bases within chrX:154,947,794-154,947,802 gives the same sequence; the position shown is the placement nearest the transcript's 3' end. VCF-style (leftmost placement, unchanged base first): chrX-154947793-GAGA-G. GRCh37 (hg19) VCF-style: chrX-154176068-GAGA-G.
Other names: F8, 3-BP DEL, PHE652DEL; F652del; c.2015_2017del (NM_000132.4, NM_000132.3); short protein forms F672del.
Identifiers: ClinVar variation 10243 (VCV000010243.1), dbSNP rs1476178386, ClinGen allele CA873350278.